The following is an entry in ClinVar:

ClinVar aggregate classification (germline): Likely benign (0 of 4 stars; one submission).

Conditions:
CEP170B-related disorder. Also called: CEP170B-related condition.

Allele frequency attached by ClinVar (database versions not stated): gnomAD exomes 0.00010; ExAC 0.00038; ESP Exome Variant Server 0.00097; gnomAD 0.00137; TOPMed 0.00156; 1000 Genomes Project 0.00160; 1000 Genomes Project 30x 0.00172.
gnomAD v4.1: 356 of 1,611,718 alleles (0.022%); highest among the groups gnomAD compares: African/African-American, 0.42%; 1 homozygote.

Submission:

PreventionGenetics, part of Exact Sciences
Classification: Likely benign for CEP170B-related condition. Last evaluated: 2019-05-25. Review status: no assertion criteria provided. Collection method: clinical testing. Allele origin: germline.
Comment: This variant is classified as likely benign based on ACMG/AMP sequence variant interpretation guidelines (Richards et al. 2015 PMID: 25741868, with internal and published modifications).

NM_001112726.3(CEP170B):c.2542C>T (p.Leu848=)

Gene: CEP170B (centrosomal protein 170B; plus strand). Cytogenetic location: 14q32.33.
Variant type: single nucleotide variant.
Coding change: c.2542C>T on transcript NM_001112726.3 (MANE Select); coding-DNA position 2542, C replaced by T.
Protein change: p.Leu848=; no amino-acid change (leucine 848 retained).
Molecular consequence: synonymous variant.
Genome position (GRCh38, 1-based): chr14:104,886,781, C>T. VCF-style: chr14-104886781-C-T. GRCh37 (hg19) VCF-style: chr14-105353118-C-T.
Other names: c.2332C>T, p.Leu778= (NM_015005.3).
Identifiers: ClinVar variation 3039419 (VCV003039419.2), dbSNP rs78749687, ClinGen allele CA7375892.